The following is an entry in ClinVar:

ClinVar aggregate classification (germline): Uncertain significance (1 of 4 stars; one submission).

Conditions:
Immunodeficiency 25. Also called: Immunodeficiency due to defect in cd3-zeta, somatic. Identifiers: MedGen C1857798, MONDO:0012426, OMIM 610163.

Submission:

Labcorp Genetics (formerly Invitae), Labcorp
Classification: Uncertain significance for Immunodeficiency 25. Last evaluated: 2022-08-09. Review status: criteria provided, single submitter. Criteria: Invitae Variant Classification Sherloc (09022015). Collection method: clinical testing. Allele origin: germline.
Comment: This variant results in a copy number gain of the genomic region encompassing exon(s) 2-8 of the CD247 gene. This region includes the termination codon of the gene. This copy number gain extends beyond the assayed region for this gene and therefore may encompass additional genes. As the precise location of this event is unknown, it may be in tandem or it may be located elsewhere in the genome. This variant has not been reported in the literature in individuals affected with CD247-related conditions. Experimental studies and prediction algorithms are not available or were not evaluated, and the functional significance of this variant is currently unknown. In summary, the available evidence is currently insufficient to determine the role of this variant in disease. Therefore, it has been classified as a Variant of Uncertain Significance.

NC_000001.10:g.(?_167400918)_(167410024_?)dup

Gene: CD247 (CD247 molecule; minus strand). Cytogenetic location: 1q24.2.
Variant type: Duplication.
Identifiers: ClinVar variation 2427630 (VCV002427630.3).